The following is an entry in ClinVar:

ClinVar aggregate classification (germline): Uncertain significance (1 of 4 stars; one submission).

Submission:

Labcorp Genetics (formerly Invitae), Labcorp
Classification: Uncertain significance. Last evaluated: 2022-04-15. Review status: criteria provided, single submitter. Criteria: Invitae Variant Classification Sherloc (09022015). Collection method: clinical testing. Allele origin: germline.
Comment: In summary, the available evidence is currently insufficient to determine the role of this variant in disease. Therefore, it has been classified as a Variant of Uncertain Significance. Algorithms developed to predict the effect of missense changes on protein structure and function are either unavailable or do not agree on the potential impact of this missense change (SIFT: "Deleterious"; PolyPhen-2: "Possibly Damaging"; Align-GVGD: "Class C0"). This variant has not been reported in the literature in individuals affected with CCDC88A-related conditions. This variant is not present in population databases (gnomAD no frequency). This sequence change replaces aspartic acid, which is acidic and polar, with alanine, which is neutral and non-polar, at codon 1571 of the CCDC88A protein (p.Asp1571Ala).

NM_001365480.1(CCDC88A):c.4715A>C (p.Asp1572Ala)

Gene: CCDC88A (coiled-coil and HOOK domain protein 88A; minus strand). Cytogenetic location: 2p16.1.
Variant type: single nucleotide variant.
Coding change: c.4715A>C on transcript NM_001365480.1 (MANE Select); coding-DNA position 4715, A replaced by C.
Protein change: p.Asp1572Ala; replaces aspartic acid 1572 with alanine.
Molecular consequence: missense variant.
Genome position (GRCh38, 1-based): chr2:55,301,235, T>G on the plus strand (A>C on the coding strand, the complement: CCDC88A is on the minus strand). VCF-style: chr2-55301235-T-G. GRCh37 (hg19) VCF-style: chr2-55528371-T-G.
Other names: c.4712A>C, p.Asp1571Ala (NM_001135597.2, NM_001254943.2); c.4631A>C, p.Asp1544Ala (NM_018084.5); short protein forms D1571A, D1572A, D1544A.
Identifiers: ClinVar variation 2126532 (VCV002126532.4), dbSNP rs2544723779, ClinGen allele CA346913476.